The following is an entry in ClinVar:

ClinVar aggregate classification (germline): Uncertain significance (1 of 4 stars; one submission).

gnomAD v4.1: 1 of 1,209,933 alleles (0.000083%); highest among the groups gnomAD compares: Non-Finnish European, 0.00011%; no homozygotes.

Submission:

Labcorp Genetics (formerly Invitae), Labcorp
Classification: Uncertain significance. Last evaluated: 2025-05-28. Review status: criteria provided, single submitter. Criteria: Invitae Variant Classification Sherloc (09022015). Collection method: clinical testing. Allele origin: germline.
Comment: This sequence change replaces leucine, which is neutral and non-polar, with arginine, which is basic and polar, at codon 788 of the NEXMIF protein (p.Leu788Arg). This variant is not present in population databases (gnomAD no frequency). This variant has not been reported in the literature in individuals affected with NEXMIF-related conditions. ClinVar contains an entry for this variant (Variation ID: 3724439). An algorithm developed to predict the effect of missense changes on protein structure and function (PolyPhen-2) suggests that this variant is likely to be disruptive. In summary, the available evidence is currently insufficient to determine the role of this variant in disease. Therefore, it has been classified as a Variant of Uncertain Significance.

NM_001008537.3(NEXMIF):c.2363T>G (p.Leu788Arg)

Gene: NEXMIF (neurite extension and migration factor; minus strand). Cytogenetic location: Xq13.3.
Variant type: single nucleotide variant.
Coding change: c.2363T>G on transcript NM_001008537.3 (MANE Select); coding-DNA position 2363, T replaced by G.
Protein change: p.Leu788Arg; replaces leucine 788 with arginine.
Molecular consequence: missense variant.
Genome position (GRCh38, 1-based): chrX:74,742,194, A>C on the plus strand (T>G on the coding strand, the complement: NEXMIF is on the minus strand). VCF-style: chrX-74742194-A-C. GRCh37 (hg19) VCF-style: chrX-73962029-A-C.
Other names: short protein forms L788R.
Identifiers: ClinVar variation 3724439 (VCV003724439.2).